The following is an entry in ClinVar:

ClinVar aggregate classification (germline): Likely benign (1 of 4 stars; one submission).

gnomAD v4.1: 1,474 of 1,611,696 alleles (0.091%); highest among the groups gnomAD compares: East Asian, 2.5%; 25 homozygotes.

Submission:

Mayo Clinic Laboratories, Mayo Clinic
Classification: Likely benign. Last evaluated: 2023-11-01. Review status: criteria provided, single submitter. Criteria: ACMG Guidelines, 2015. Collection method: clinical testing. Allele origin: germline. Observed: 5 variant alleles.
Comment: BS1, BP7

NM_005845.5(ABCC4):c.1162-3T>C

Gene: ABCC4 (ATP binding cassette subfamily C member 4 (PEL blood group); minus strand). Cytogenetic location: 13q32.1.
Variant type: single nucleotide variant.
Coding change: c.1162-3T>C on transcript NM_005845.5 (MANE Select); 3 bases into the intron before coding-DNA position 1162, T replaced by C.
Molecular consequence: intron variant.
Genome position (GRCh38, 1-based): chr13:95,194,940, A>G on the plus strand (T>C on the coding strand, the complement: ABCC4 is on the minus strand). VCF-style: chr13-95194940-A-G. GRCh37 (hg19) VCF-style: chr13-95847194-A-G.
Other names: p.?; c.1162-3T>C (NM_001301829.2, NM_001105515.3); c.937-3T>C (NM_001301830.2).
Identifiers: ClinVar variation 4683818 (VCV004683818.1).